The following is an entry in ClinVar:

ClinVar aggregate classification (germline): Uncertain significance (1 of 4 stars; one submission).

Conditions:
Developmental and epileptic encephalopathy 105 with hypopituitarism (DEE105). Identifiers: MedGen C5774190, MONDO:0031028, OMIM 619983.

Submission:

3billion
Classification: Uncertain significance for Developmental and epileptic encephalopathy 105 with hypopituitarism. Last evaluated: 2025-06-21. Review status: criteria provided, single submitter. Criteria: ACMG Guidelines, 2015. Collection method: clinical testing. Allele origin: germline. Affected: yes.
Comment: The variant is not observed in the gnomAD v4.1.0 dataset. Predicted Consequence/Location: Synonymous variant In silico tools predict the variant to alter splicing and produce an abnormal transcript [SpliceAI: 0.67 (>=0.2, moderate evidence for spliceogenicity)]. Therefore, this variant is classified as VUS according to the recommendation of ACMG/AMP guideline.

NM_030630.3(HID1):c.363A>G (p.Thr121=)

Gene: HID1 (HID1 domain containing; minus strand). Cytogenetic location: 17q25.1.
Variant type: single nucleotide variant.
Coding change: c.363A>G on transcript NM_030630.3 (MANE Select); coding-DNA position 363, A replaced by G.
Protein change: p.Thr121=; no amino-acid change (threonine 121 retained).
Molecular consequence: synonymous variant.
Genome position (GRCh38, 1-based): chr17:74,963,764, T>C on the plus strand (A>G on the coding strand, the complement: HID1 is on the minus strand). VCF-style: chr17-74963764-T-C. GRCh37 (hg19) VCF-style: chr17-72959859-T-C.
Identifiers: ClinVar variation 4854333 (VCV004854333.1).
Genomic context (GRCh38, chr17:74,963,764, plus strand): 5'-TCTGCCTCCCACCCAGCCCTGGCCAGGCCCACAGACCCCTCCTCGCCCTGCCCCGGGCAC[T>C]GTGGACCAGAAGAAGCCCCTCCAGTCGGGGTCCTCAAAGATGTAGGGCAGCACGCGGGTG-3'
Protein context (NP_085133.1, residues 111-131): DPDWRGFFWS[Thr121=]VPGAGRGGQG